The following is an entry in ClinVar:

ClinVar aggregate classification (germline): Benign. Review status: criteria provided, multiple submitters, no conflicts (2 of 4 stars). 3 submissions from 3 submitters: Benign (3). Last evaluated 2018-07-27.

Conditions:
MPDU1-congenital disorder of glycosylation. Also called: CONGENITAL DISORDER OF GLYCOSYLATION, TYPE If; CDG If; MPDU1-CDG. Identifiers: Orphanet 79323, MedGen C1836669, MONDO:0012211, OMIM 609180.

Allele frequency attached by ClinVar (database versions not stated): TOPMed 0.66610; gnomAD 0.67099 and 0.67827; 1000 Genomes Project 30x 0.67739; 1000 Genomes Project 0.68191; gnomAD exomes 0.71475 and 0.73045; ExAC 0.80947.
gnomAD v4.1: 372,051 of 520,342 alleles (72%); highest among the groups gnomAD compares: South Asian, 83%; 134,794 homozygotes.

Submissions (3):

GeneDx
Classification: Benign. Last evaluated: 2018-07-27. Review status: criteria provided, single submitter. Criteria: GeneDx Variant Classification Process June 2021. Collection method: clinical testing. Allele origin: germline. Affected: yes.

Illumina Laboratory Services, Illumina
Classification: Benign for MPDU1-congenital disorder of glycosylation. Last evaluated: 2018-01-12. Review status: criteria provided, single submitter. Criteria: ICSL Variant Classification Criteria 13 December 2019. Collection method: clinical testing. Allele origin: germline.
Comment: This variant was observed in the ICSL laboratory as part of a predisposition screen in an ostensibly healthy population. It had not been previously curated by ICSL or reported in the Human Gene Mutation Database (HGMD: prior to June 1st, 2018), and was therefore a candidate for classification through an automated scoring system. Utilizing variant allele frequency, disease prevalence and penetrance estimates, and inheritance mode, an automated score was calculated to assess if this variant is too frequent to cause the disease. Based on the score and internal cut-off values, a variant classified as benign is not then subjected to further curation. The score for this variant resulted in a classification of benign for this disease.

Breakthrough Genomics
Classification: Benign. Review status: criteria provided, single submitter. Criteria: ACMG Guidelines, 2015. Collection method: not provided. Allele origin: germline. Inheritance: Autosomal recessive inheritance. Affected: yes.

NM_004870.4(MPDU1):c.*308G>T

Gene: MPDU1 (mannose-P-dolichol utilization defect 1; plus strand). Cytogenetic location: 17p13.1.
Variant type: single nucleotide variant.
Coding change: c.*308G>T on transcript NM_004870.4 (MANE Select); 308 bases downstream of the stop codon, G replaced by T.
Molecular consequence: 3 prime UTR variant. On other transcripts: non-coding transcript variant (1).
Genome position (GRCh38, 1-based): chr17:7,587,859, G>T. VCF-style: chr17-7587859-G-T. GRCh37 (hg19) VCF-style: chr17-7491177-G-T.
Other names: c.*415G>T (NM_001330073.1).
Identifiers: ClinVar variation 325524 (VCV000325524.7), dbSNP rs4227, ClinGen allele CA8353091.